The following is an entry in ClinVar:

NM_000501.4(ELN):c.1505G>A (p.Gly502Asp)

Genes: ELN (elastin; plus strand), ELN-AS1 (ELN antisense RNA 1; minus strand). Cytogenetic location: 7q11.23.
Variant type: single nucleotide variant.
Coding change: c.1505G>A on transcript NM_000501.4 (MANE Select); coding-DNA position 1505, G replaced by A.
Protein change: p.Gly502Asp; replaces glycine 502 with aspartic acid.
Molecular consequence: missense variant. On other transcripts: non-coding transcript variant (1).
Genome position (GRCh38, 1-based): chr7:74,059,976, G>A. VCF-style: chr7-74059976-G-A. GRCh37 (hg19) VCF-style: chr7-73474306-G-A.
Other names: c.1406G>A, p.Gly469Asp (NM_001278916.2); c.1475G>A, p.Gly492Asp (NM_001278917.2); c.1238G>A, p.Gly413Asp (NM_001278918.2); c.1592G>A, p.Gly531Asp (NM_001278939.2); c.1418G>A, p.Gly473Asp (NM_001081752.3); c.1463G>A, p.Gly488Asp (NM_001081753.3); c.1520G>A, p.Gly507Asp (NM_001081754.3); c.1448G>A, p.Gly483Asp (NM_001081755.3); and 4 more; short protein forms G413D, G483D, G492D, G502D, G469D, G473D, G478D, G507D.
Identifiers: ClinVar variation 4733459 (VCV004733459.1).

ClinVar aggregate classification (germline): Uncertain significance (1 of 4 stars; one submission).

Conditions:
Supravalvar aortic stenosis (SVAS). Also called: Supravalvar aortic stenosis, Eisenberg type. Identifiers: Orphanet 3193, MedGen C0003499, MONDO:0008504, OMIM 185500, HP:0004381.

Submission:

Labcorp Genetics (formerly Invitae), Labcorp
Classification: Uncertain significance for Supravalvar aortic stenosis. Last evaluated: 2025-12-17. Review status: criteria provided, single submitter. Criteria: Invitae Variant Classification Sherloc (09022015). Collection method: clinical testing. Allele origin: germline.
Comment: This sequence change replaces glycine, which is neutral and non-polar, with aspartic acid, which is acidic and polar, at codon 531 of the ELN protein (p.Gly531Asp). This variant is not present in population databases (gnomAD no frequency). This variant has not been reported in the literature in individuals affected with ELN-related conditions. Experimental studies and prediction algorithms are not available or were not evaluated, and the functional significance of this variant is currently unknown. In summary, the available evidence is currently insufficient to determine the role of this variant in disease. Therefore, it has been classified as a Variant of Uncertain Significance.